The following is an entry in ClinVar:

ClinVar aggregate classification (germline): Uncertain significance (1 of 4 stars; one submission).

Conditions:
Hereditary spastic paraplegia 11. Also called: Nakamura Osame syndrome; Autosomal recessive hereditary spastic paraplegia, mental impairment, and thin corpus callosum; SPASTIC PARAPLEGIA, AUTOSOMAL RECESSIVE, COMPLICATED, WITH THIN CORPUS CALLOSUM; SPASTIC PARAPLEGIA, AUTOSOMAL RECESSIVE, WITH MENTAL IMPAIRMENT AND THIN CORPUS CALLOSUM; Spastic paraplegia, mental retardation and thin corpus callosum; Spastic Paraplegia 11. Identifiers: Orphanet 2822, MedGen C1858479, MONDO:0011445, OMIM 604360.

Submission:

Labcorp Genetics (formerly Invitae), Labcorp
Classification: Uncertain significance for Hereditary spastic paraplegia 11. Last evaluated: 2021-12-03. Review status: criteria provided, single submitter. Criteria: Invitae Variant Classification Sherloc (09022015). Collection method: clinical testing. Allele origin: germline.
Comment: In summary, the available evidence is currently insufficient to determine the role of this variant in disease. Therefore, it has been classified as a Variant of Uncertain Significance. Variants that disrupt the consensus splice site are a relatively common cause of aberrant splicing (PMID: 17576681, 9536098). Algorithms developed to predict the effect of sequence changes on RNA splicing suggest that this variant is not likely to affect RNA splicing. This variant has not been reported in the literature in individuals affected with SPG11-related conditions. This variant is not present in population databases (gnomAD no frequency). This sequence change falls in intron 9 of the SPG11 gene. It does not directly change the encoded amino acid sequence of the SPG11 protein. It affects a nucleotide within the consensus splice site.

Literature cited by the submitters: PubMed 17576681; PubMed 9536098.

NM_025137.4(SPG11):c.1891+4A>C

Gene: SPG11 (SPG11 vesicle trafficking associated, spatacsin; minus strand). Cytogenetic location: 15q21.1.
Variant type: single nucleotide variant.
Coding change: c.1891+4A>C on transcript NM_025137.4 (MANE Select); 4 bases into the intron after coding-DNA position 1891, A replaced by C.
Molecular consequence: intron variant.
Genome position (GRCh38, 1-based): chr15:44,629,229, T>G on the plus strand (A>C on the coding strand, the complement: SPG11 is on the minus strand). VCF-style: chr15-44629229-T-G. GRCh37 (hg19) VCF-style: chr15-44921427-T-G.
Other names: c.1891+4A>C (NM_001160227.2).
Identifiers: ClinVar variation 1492356 (VCV001492356.6), dbSNP rs2141044751, ClinGen allele CA2573150868.
Genomic context (GRCh38, chr15:44,629,229, plus strand): 5'-AGCACTTGTATCTGTTCTGACACAGGAACAGTAGAATTGCCCCCTTCCTAGCTGCTATTC[T>G]TACCTTCAGTGTGAATGAAAAGCTCCTTTATTTGGTTGTTAAGGAAAGACAGTGTAAGAT-3'